The following is an entry in ClinVar:

ClinVar aggregate classification (germline): Conflicting classifications of pathogenicity. Review status: criteria provided, conflicting classifications (1 of 4 stars). 6 submissions from 6 submitters: Uncertain significance (3); Benign (1); Likely benign (1). 1 of the submissions does not count toward it. Last evaluated 2026-08-16.

Conditions:
Frontometaphyseal dysplasia (FMD1). Identifiers: Orphanet 1826, MedGen C0265293, MONDO:0015942.
Melnick-Needles syndrome (MNS). Also called: Melnick-Needles Syndrome (FLNA-MNS); MELNICK-NEEDLES OSTEODYSPLASTY; OSTEODYSPLASTY OF MELNICK AND NEEDLES. Identifiers: Orphanet 2484, MedGen C0025237, MONDO:0010650, OMIM 309350.
Heterotopia, periventricular, X-linked dominant (PVNH1). Also called: PERIVENTRICULAR NODULAR HETEROTOPIA 4; HETEROTOPIA, PERIVENTRICULAR, 1; PERIVENTRICULAR NODULAR HETEROTOPIA 1; X-linked periventricular heterotopia. Identifiers: Orphanet 2149, Orphanet 82004, MedGen C1848213, MONDO:0010233, OMIM 300049.
Oto-palato-digital syndrome, type II (OPD2). Also called: Otopalatodigital Syndrome, Type II; Otopalatodigital Syndrome Type 2 (FLNA-OPD2); FACIOPALATOOSSEOUS SYNDROME; OPD II SYNDROME. Identifiers: Orphanet 669, Orphanet 90652, MedGen C1844696, MONDO:0010571, OMIM 304120.
Familial thoracic aortic aneurysm and aortic dissection (TAAD). Also called: Thoracic aortic aneurysms and dissections. Identifiers: Orphanet 91387, MedGen C4707243, MONDO:0019625.
FLNA-related disorder.

Allele frequency attached by ClinVar (database versions not stated): gnomAD exomes below 0.00001 and 0.00001; ExAC 0.00001; TOPMed 0.00002; gnomAD 0.00001.
gnomAD v4.1: 6 of 1,210,405 alleles (0.0005%); highest among the groups gnomAD compares: East Asian, 0.0059%; no homozygotes.

Submissions (6):

Ambry Genetics
Classification: Uncertain significance for Familial thoracic aortic aneurysm and aortic dissection. Last evaluated: 2026-08-16. Review status: criteria provided, single submitter. Criteria: Ambry Variant Classification Scheme 2023. Collection method: clinical testing. Allele origin: germline.
Comment: The p.R841W variant (also known as c.2521C>T), located in coding exon 16 of the FLNA gene, results from a C to T substitution at nucleotide position 2521. The arginine at codon 841 is replaced by tryptophan, an amino acid with dissimilar properties. This amino acid position is conserved. In addition, the in silico prediction for this alteration is inconclusive. Based on data from gnomAD, the T allele has an overall frequency of 0.0006% (1/181271) total alleles studied, with 0 hemizygote(s) observed. The highest observed frequency was 0.0074% (1/13543) of East Asian alleles. Based on the available evidence, the clinical significance of this variant remains unclear.

Labcorp Genetics (formerly Invitae), Labcorp
Classification: Benign for Oto-palato-digital syndrome, type II; Heterotopia, periventricular, X-linked dominant; Frontometaphyseal dysplasia; Melnick-Needles syndrome. Last evaluated: 2025-11-18. Review status: criteria provided, single submitter. Criteria: Invitae Variant Classification Sherloc (09022015). Collection method: clinical testing. Allele origin: germline.

Blueprint Genetics
Classification: Uncertain significance. Last evaluated: 2024-01-22. Review status: criteria provided, single submitter. Criteria: ACMG Guidelines, 2015. Collection method: clinical testing. Allele origin: germline.

Women's Health and Genetics/Laboratory Corporation of America, LabCorp
Classification: Uncertain significance. Last evaluated: 2023-07-21. Review status: criteria provided, single submitter. Criteria: LabCorp Variant Classification Summary - May 2015. Collection method: clinical testing. Allele origin: germline.

GeneDx
Classification: Likely benign. Last evaluated: 2020-05-12. Review status: criteria provided, single submitter. Criteria: GeneDx Variant Classification Process June 2021. Collection method: clinical testing. Allele origin: germline. Affected: yes.
Comment: In silico analysis, which includes protein predictors and evolutionary conservation, supports that this variant does not alter protein structure/function

PreventionGenetics, part of Exact Sciences
Classification: Uncertain significance for FLNA-related condition. Last evaluated: 2024-05-21. Review status: no assertion criteria provided. Collection method: clinical testing. Allele origin: germline. Not counted in ClinVar's aggregate classification.
Comment: The FLNA c.2521C>T variant is predicted to result in the amino acid substitution p.Arg841Trp. To our knowledge, this variant has not been reported in the literature. This variant is reported in 0.0074% of alleles in individuals of East Asian descent in gnomAD. At this time, the clinical significance of this variant is uncertain due to the absence of conclusive functional and genetic evidence.

NM_001110556.2(FLNA):c.2521C>T (p.Arg841Trp)

Gene: FLNA (filamin A; minus strand). Cytogenetic location: Xq28.
Variant type: single nucleotide variant.
Coding change: c.2521C>T on transcript NM_001110556.2 (MANE Select); coding-DNA position 2521, C replaced by T.
Protein change: p.Arg841Trp; replaces arginine 841 with tryptophan.
Molecular consequence: missense variant.
Genome position (GRCh38, 1-based): chrX:154,362,462, G>A on the plus strand (C>T on the coding strand, the complement: FLNA is on the minus strand). VCF-style: chrX-154362462-G-A. GRCh37 (hg19) VCF-style: chrX-153590830-G-A.
Other names: c.2521C>T, p.Arg841Trp (NM_001456.4); c.2521C>T (NM_001110556.1); short protein forms R841W.
Identifiers: ClinVar variation 1205400 (VCV001205400.12), dbSNP rs782772998, ClinGen allele CA10560906.